The following is an entry in ClinVar:

ClinVar aggregate classification (germline): Uncertain significance (1 of 4 stars; one submission).

Submission:

GeneDx
Classification: Uncertain significance. Last evaluated: 2018-12-04. Review status: criteria provided, single submitter. Criteria: GeneDx Variant Classification Process June 2021. Collection method: clinical testing. Allele origin: germline. Affected: yes.
Comment: Not observed in large population cohorts (Lek et al., 2016); In silico analysis, which includes protein predictors and evolutionary conservation, supports a deleterious effect; Has not been previously published as pathogenic or benign to our knowledge

NM_015175.3(NBEAL2):c.7559G>A (p.Gly2520Asp)

Gene: NBEAL2 (neurobeachin like 2; plus strand). Cytogenetic location: 3p21.31.
Variant type: single nucleotide variant.
Coding change: c.7559G>A on transcript NM_015175.3 (MANE Select); coding-DNA position 7559, G replaced by A.
Protein change: p.Gly2520Asp; replaces glycine 2520 with aspartic acid.
Molecular consequence: missense variant.
Genome position (GRCh38, 1-based): chr3:47,007,867, G>A. VCF-style: chr3-47007867-G-A. GRCh37 (hg19) VCF-style: chr3-47049357-G-A.
Other names: c.7457G>A, p.Gly2486Asp (NM_001365116.2); short protein forms G2486D, G2520D.
Identifiers: ClinVar variation 1304416 (VCV001304416.2), dbSNP rs2037574717, ClinGen allele CA352544792.